The following is an entry in ClinVar:

ClinVar aggregate classification (germline): Uncertain significance. Review status: criteria provided, multiple submitters, no conflicts (2 of 4 stars). 5 submissions from 5 submitters: Uncertain significance (5). Last evaluated 2025-04-28.

Conditions:
Hereditary cancer-predisposing syndrome. Also called: Tumor predisposition; Neoplastic Syndromes, Hereditary; Hereditary Cancer Syndrome; Hereditary neoplastic syndrome. Identifiers: Orphanet 140162, MedGen C0027672, MeSH D009386, MONDO:0015356.
Microcephaly, normal intelligence and immunodeficiency (NBS). Also called: Nijmegen breakage syndrome; Microcephaly with normal intelligence immunodeficiency and lymphoreticular malignancies; Nonsyndromal microcephaly autosomal recessive with normal intelligence; Seemanova syndrome 2; Immunodeficiency, microcephaly with normal intelligence; BERLIN BREAKAGE SYNDROME. Identifiers: Orphanet 647, MedGen C0398791, MONDO:0009623, OMIM 251260.

Allele frequency attached by ClinVar (database versions not stated): gnomAD exomes below 0.00001; TOPMed below 0.00001; gnomAD 0.00001.
gnomAD v4.1: 3 of 1,612,546 alleles (0.00019%); highest among the groups gnomAD compares: Non-Finnish European, 0.00025%; no homozygotes.

Submissions (5):

Labcorp Genetics (formerly Invitae), Labcorp
Classification: Uncertain significance for Microcephaly, normal intelligence and immunodeficiency. Last evaluated: 2025-04-28. Review status: criteria provided, single submitter. Criteria: Invitae Variant Classification Sherloc (09022015). Collection method: clinical testing. Allele origin: germline.
Comment: This sequence change replaces glutamic acid, which is acidic and polar, with glycine, which is neutral and non-polar, at codon 111 of the NBN protein (p.Glu111Gly). This variant is not present in population databases (gnomAD no frequency). This variant has not been reported in the literature in individuals affected with NBN-related conditions. ClinVar contains an entry for this variant (Variation ID: 418680). An algorithm developed to predict the effect of missense changes on protein structure and function (PolyPhen-2) suggests that this variant is likely to be disruptive. In summary, the available evidence is currently insufficient to determine the role of this variant in disease. Therefore, it has been classified as a Variant of Uncertain Significance.

Women's Health and Genetics/Laboratory Corporation of America, LabCorp
Classification: Uncertain significance. Last evaluated: 2024-03-06. Review status: criteria provided, single submitter. Criteria: LabCorp Variant Classification Summary - May 2015. Collection method: clinical testing. Allele origin: germline.
Comment: Variant summary: NBN c.332A>G (p.Glu111Gly) results in a non-conservative amino acid change in the encoded protein sequence. Five of five in-silico tools predict a damaging effect of the variant on protein function. The variant was absent in 250836 control chromosomes. The available data on variant occurrences in the general population are insufficient to allow any conclusion about variant significance. c.332A>G has been reported in the literature in at least one individual affected with cancer (e.g. Belhadj_2023). This report does not provide unequivocal conclusions about association of the variant with Nijmegen Breakage Syndrome. To our knowledge, no experimental evidence demonstrating an impact on protein function has been reported. The following publication has been ascertained in the context of this evaluation (PMID: 36346689). ClinVar contains an entry for this variant (Variation ID: 418680). Based on the evidence outlined above, the variant was classified as uncertain significance.

Ambry Genetics
Classification: Uncertain significance for Hereditary cancer-predisposing syndrome. Last evaluated: 2022-09-16. Review status: criteria provided, single submitter. Criteria: Ambry Variant Classification Scheme 2023. Collection method: clinical testing. Allele origin: germline.
Comment: The p.E111G variant (also known as c.332A>G), located in coding exon 4 of the NBN gene, results from an A to G substitution at nucleotide position 332. The glutamic acid at codon 111 is replaced by glycine, an amino acid with similar properties. This amino acid position is conserved. In addition, this alteration is predicted to be deleterious by in silico analysis. Since supporting evidence is limited at this time, the clinical significance of this alteration remains unclear.

Genome-Nilou Lab
Classification: Uncertain significance for Microcephaly, normal intelligence and immunodeficiency. Last evaluated: 2021-11-07. Review status: criteria provided, single submitter. Criteria: ACMG Guidelines, 2015. Collection method: clinical testing. Allele origin: germline. Affected: no.

GeneDx
Classification: Uncertain significance. Last evaluated: 2020-08-03. Review status: criteria provided, single submitter. Criteria: GeneDx Variant Classification Process June 2021. Collection method: clinical testing. Allele origin: germline. Affected: yes.
Comment: Not observed in large population cohorts (Lek et al., 2016); In silico analysis supports that this missense variant has a deleterious effect on protein structure/function; Has not been previously published as pathogenic or benign to our knowledge

Literature cited by the submitters: PubMed 36346689 (cited by Women's Health and Genetics/Laboratory Corporation of America, LabCorp).

NM_002485.5(NBN):c.332A>G (p.Glu111Gly)

Gene: NBN (nibrin; minus strand). Cytogenetic location: 8q21.3.
Variant type: single nucleotide variant.
Coding change: c.332A>G on transcript NM_002485.5 (MANE Select); coding-DNA position 332, A replaced by G.
Protein change: p.Glu111Gly; replaces glutamic acid 111 with glycine.
Molecular consequence: missense variant.
Genome position (GRCh38, 1-based): chr8:89,980,882, T>C on the plus strand (A>G on the coding strand, the complement: NBN is on the minus strand). VCF-style: chr8-89980882-T-C. GRCh37 (hg19) VCF-style: chr8-90993110-T-C.
Other names: c.86A>G, p.Glu29Gly (NM_001024688.3); short protein forms E111G, E29G.
Identifiers: ClinVar variation 418680 (VCV000418680.14), dbSNP rs876659320, ClinGen allele CA16618710.
Genomic context (GRCh38, chr8:89,980,882, plus strand): 5'-GCTTGATTTAAAGCAGTTTTCCCAGAGACATCTAAACAAGAAGAGCATGCAACCAAAGGC[T>C]CATACTCTATTCTGTAAATGAGAATAAGTTAAATAAAGTCATAGTATCAGAGTTGCAGAG-3'
Protein context (NP_002476.2, residues 101-121): VFGSKFRIEY[Glu111Gly]PLVACSSCLD